The following is an entry in ClinVar:

ClinVar aggregate classification (germline): Uncertain significance (1 of 4 stars; one submission).

Conditions:
Hereditary cancer-predisposing syndrome. Also called: Tumor predisposition; Neoplastic Syndromes, Hereditary; Hereditary neoplastic syndrome; Hereditary Cancer Syndrome. Identifiers: Orphanet 140162, MedGen C0027672, MeSH D009386, MONDO:0015356.

Submission:

Ambry Genetics
Classification: Uncertain significance for Hereditary cancer-predisposing syndrome. Last evaluated: 2025-07-16. Review status: criteria provided, single submitter. Criteria: Ambry Variant Classification Scheme 2023. Collection method: clinical testing. Allele origin: germline.
Comment: The p.A431S variant (also known as c.1291G>T), located in coding exon 8 of the MSH3 gene, results from a G to T substitution at nucleotide position 1291. The alanine at codon 431 is replaced by serine, an amino acid with similar properties. This amino acid position is conserved. In addition, this alteration is predicted to be tolerated by in silico analysis. Based on the available evidence, the clinical significance of this variant remains unclear.

NM_002439.5(MSH3):c.1291G>T (p.Ala431Ser)

Gene: MSH3 (mutS homolog 3; plus strand). Cytogenetic location: 5q14.1.
Variant type: single nucleotide variant.
Coding change: c.1291G>T on transcript NM_002439.5 (MANE Select); coding-DNA position 1291, G replaced by T.
Protein change: p.Ala431Ser; replaces alanine 431 with serine.
Molecular consequence: missense variant.
Genome position (GRCh38, 1-based): chr5:80,679,044, G>T. VCF-style: chr5-80679044-G-T. GRCh37 (hg19) VCF-style: chr5-79974863-G-T.
Other names: short protein forms A431S.
Identifiers: ClinVar variation 4111098 (VCV004111098.1).
Genomic context (GRCh38, chr5:80,679,044, plus strand): 5'-CGTTCAGAGCTAGAAACCCGGATGTCAAGCCTGCAGCCAGTAGAGCTGCTGCTTCCTTCG[G>T]CCTTGTCCGAGCAAACAGAGGCGCTCATCCACAGAGCCACATCTGTTAGGTAAGTTGGCA-3'
Protein context (NP_002430.3, residues 421-441): LQPVELLLPS[Ala431Ser]LSEQTEALIH